The following is an entry in ClinVar:

NM_015046.7(SETX):c.5308_5311del (p.Glu1770fs)

Gene: SETX (senataxin; minus strand). Cytogenetic location: 9q34.13.
Variant type: Microsatellite.
Coding change: c.5308_5311del on transcript NM_015046.7 (MANE Select); coding-DNA positions 5308 to 5311, 4 bases deleted (GAGA; older notation c.5308_5311delGAGA).
Protein change: p.Glu1770fs; shifts the reading frame from glutamic acid 1770.
Molecular consequence: frameshift variant.
Genome position (GRCh38, 1-based): chr9:132,311,820-132,311,823, TCTC deleted on the plus strand (GAGA on the coding strand, the reverse complement: SETX is on the minus strand); deleting any 4 consecutive bases within chr9:132,311,820-132,311,826 gives the same sequence; the c. name uses the placement nearest the transcript's 3' end. VCF-style (leftmost placement, unchanged base first): chr9-132311819-TTCTC-T. GRCh37 (hg19) VCF-style: chr9-135187206-TTCTC-T.
Other names: c.5308_5311del, p.Glu1770fs (NM_001351527.2, NM_001351528.2); c.5308_5311delGAGA (NM_015046.5, NM_015046.7); short protein forms E1770fs.
Identifiers: ClinVar variation 448333 (VCV000448333.43), dbSNP rs750959420, ClinGen allele CA5297018.
Genomic context (GRCh38, chr9:132,311,819, plus strand): 5'-GCAAACTCCCAGTATTTTATATAATCGGCAGGAAATTTTCGTACTTGCAACTGATAGAAA[TTCTC>T]TCTATTTGGAGAGTTGAGCCATTCTTGTGCCACCTATACAAAGCACAAAAGCAAATTAAG-3'

ClinVar aggregate classification (germline): Pathogenic/Likely pathogenic. Review status: criteria provided, multiple submitters, no conflicts (2 of 4 stars). 12 submissions from 11 submitters: Pathogenic (9); Likely pathogenic (2). 1 of the submissions does not count toward it. Last evaluated 2025-11-09.

Conditions:
Abnormal central motor function. Identifiers: MedGen C4023354, HP:0011442.
SETX-related disorder. Also called: SETX-related disorders; SETX-related condition. Identifiers: MedGen CN239403.
Cerebellar ataxia. Identifiers: Orphanet 102002, MedGen C0007758, MONDO:0000437.
Spinocerebellar ataxia, autosomal recessive, with axonal neuropathy 2 (SCAN2). Also called: Ataxia with Oculomotor Apraxia; ATAXIA-OCULOMOTOR APRAXIA 2; Ataxia-ocular apraxia-2; Ataxia with Oculomotor Apraxia Type 2. Identifiers: Orphanet 64753, MedGen C1853761, MONDO:0018996, OMIM 606002.
Amyotrophic lateral sclerosis type 4 (ALS4). Also called: NEURONOPATHY, DISTAL HEREDITARY MOTOR, WITH PYRAMIDAL FEATURES; AMYOTROPHIC LATERAL SCLEROSIS 4, JUVENILE. Identifiers: Orphanet 357043, MedGen C1865409, MONDO:0011223, OMIM 602433.
Amyotrophic lateral sclerosis (ALS). Also called: Lou Gehrig disease; Charcot disease. Identifiers: Orphanet 803, MedGen C0002736, MONDO:0004976, HP:0007354.

Submissions (12):

Labcorp Genetics (formerly Invitae), Labcorp
Classification: Pathogenic for Amyotrophic lateral sclerosis type 4; Spinocerebellar ataxia, autosomal recessive, with axonal neuropathy 2. Last evaluated: 2025-11-09. Review status: criteria provided, single submitter. Criteria: Invitae Variant Classification Sherloc (09022015). Collection method: clinical testing. Allele origin: germline.
Comment: This sequence change creates a premature translational stop signal (p.Glu1770Ilefs*15) in the SETX gene. It is expected to result in an absent or disrupted protein product. Loss-of-function variants in SETX are known to be pathogenic (PMID: 14770181). This variant is present in population databases (rs750959420, gnomAD 0.007%). This premature translational stop signal has been observed in individual(s) with autosomal recessive cerebellar ataxia (PMID: 18405395). For these reasons, this variant has been classified as Pathogenic.

Genomic Medicine Center of Excellence, King Faisal Specialist Hospital and Research Centre
Classification: Pathogenic for Spinocerebellar ataxia, autosomal recessive, with axonal neuropathy 2. Last evaluated: 2025-09-10. Review status: criteria provided, single submitter. Criteria: ACMG Guidelines, 2015. Collection method: clinical testing. Allele origin: germline.

PreventionGenetics, part of Exact Sciences
Classification: Pathogenic for SETX-related condition. Last evaluated: 2025-01-21. Review status: criteria provided, single submitter. Criteria: ACMG Guidelines, 2015. Collection method: clinical testing. Allele origin: germline.
Comment: The SETX c.5308_5311delGAGA variant is predicted to result in a frameshift and premature protein termination (p.Glu1770Ilefs*15). This variant has been reported in the homozygous state in multiple individuals with autosomal recessive spinocerebellar ataxia and was found to segregate with the disorder in unrelated families (see, for example, Nicolaou et al. 2008. PubMed ID: 18405395; Algahtani et al. 2018. PubMed ID: 30560021; Table S1, Vural et al. 2021. PubMed ID: 33624863). This variant has also been documented along with a canonical splice variant in an individual with autosomal recessive spinocerebellar ataxia (Marelli et al. 2016. PubMed ID: 27528516). None of the heterozygous carriers of this variant were reported to be symptomatic. This variant is reported in 0.0065% of alleles in individuals of South Asian descent in gnomAD. Frameshift variants in SETX are expected to be pathogenic. This variant is interpreted as pathogenic.

Athena Diagnostics
Classification: Pathogenic. Last evaluated: 2023-07-28. Review status: criteria provided, single submitter. Criteria: Athena Diagnostics Criteria. Collection method: clinical testing. Allele origin: unknown.
Comment: This variant is expected to result in the loss of a functional protein. The frequency of this variant in the general population is consistent with pathogenicity. This variant has been identified in multiple unrelated individuals with clinical features associated with this gene and appears to be associated with disease in at least one family. In multiple individuals, this variant has been seen with a single recessive pathogenic variant in the same gene, suggesting this variant may also be pathogenic.

Genetic Services Laboratory, University of Chicago
Classification: Pathogenic. Last evaluated: 2023-03-23. Review status: criteria provided, single submitter. Criteria: ACMG Guidelines, 2015. Collection method: clinical testing. Allele origin: germline. Affected: yes.
Comment: DNA sequence analysis of the SETX gene demonstrated a 4 base pair deletion in exon 11, c.5308_5311del. This sequence change results in an amino acid frameshift and creates a premature stop codon 14 amino acids downstream of the change, p.Glu1770Ilefs*15. This sequence change is predicted to result in an abnormal transcript, which may be degraded, or may lead to the production of a truncated SETX protein with potentially abnormal function. The c.5308_5311del sequence change has not been described in population databases such as ExAC and gnomAD. This sequence change has previously been described in the literature in several individuals with autosomal recessive spinocerebellar ataxia with axonal neuropathy (PMID: 18405395, 30560021, 27528516). Other loss of function variants in the SETX gene have also been described in individuals with SETX-related disorders (PMID: 14770181). This sequence change is interpreted as pathogenic.

Genome-Nilou Lab
Classification: Likely pathogenic for Spinocerebellar ataxia, autosomal recessive, with axonal neuropathy 2. Last evaluated: 2023-02-08. Review status: criteria provided, single submitter. Criteria: ACMG Guidelines, 2015. Collection method: clinical testing. Allele origin: germline.

GeneDx
Classification: Pathogenic. Last evaluated: 2022-11-30. Review status: criteria provided, single submitter. Criteria: GeneDx Variant Classification Process June 2021. Collection method: clinical testing. Allele origin: germline. Affected: yes.
Comment: Frameshift variant predicted to result in protein truncation or nonsense mediated decay in a gene for which loss of function is a known mechanism of disease; This variant is associated with the following publications: (PMID: 31589614, 31656689, 31493945, 18405395, 33624863, 29858556, 19696032, 30560021, 27528516)

Revvity Omics, Revvity
Classification: Pathogenic. Last evaluated: 2022-03-14. Review status: criteria provided, single submitter. Criteria: ACMG Guidelines, 2015. Collection method: clinical testing. Allele origin: germline.

Kariminejad - Najmabadi Pathology & Genetics Center
Classification: Pathogenic for Abnormal central motor function. Last evaluated: 2021-07-10. Review status: criteria provided, single submitter. Criteria: ACMG Guidelines, 2015. Collection method: clinical testing. Allele origin: germline. Affected: yes.

UM ALS/MND Lab, University Of Malta
Classification: Likely pathogenic for Amyotrophic lateral sclerosis. Last evaluated: 2020-07-31. Review status: criteria provided, single submitter. Criteria: ACMG Guidelines, 2015. Collection method: case-control. Allele origin: unknown. Inheritance: Autosomal dominant inheritance. Affected: yes. Observed: 1 heterozygote.
Comment: Allele frequency for the Glu1770Ilefs*15 variant in SETX was 0.000075 in ALS cases and 0 in controls within the Project MinE ALS case-control cohort, which favors evidence supporting our criteria to be classified as likely pathogenic

Kariminejad - Najmabadi Pathology & Genetics Center
Classification: Pathogenic for Ataxia. Last evaluated: 2018-08-06. Review status: criteria provided, single submitter. Criteria: ACMG Guidelines, 2015. Collection method: clinical testing. Allele origin: germline. Affected: yes.

Institute of Human Genetics, Cologne University
Classification: Pathogenic for Spinocerebellar ataxia, autosomal recessive, with axonal neuropathy 2. Last evaluated: 2018-04-25. Review status: no assertion criteria provided. Collection method: clinical testing. Allele origin: germline. Affected: yes. Not counted in ClinVar's aggregate classification.

Literature cited by the submitters: PubMed 14770181 (cited by Labcorp Genetics (formerly Invitae), Labcorp); PubMed 18405395 (cited by Labcorp Genetics (formerly Invitae), Labcorp and Athena Diagnostics); PubMed 33414559 (cited by Athena Diagnostics); PubMed 29858556 (cited by Athena Diagnostics); PubMed 36549973 (cited by Athena Diagnostics); PubMed 31656689 (cited by Athena Diagnostics); PubMed 26068213 (cited by Athena Diagnostics); PubMed 28600779 (cited by Athena Diagnostics); PubMed 30560021 (cited by Athena Diagnostics); PubMed 31589614 (cited by Athena Diagnostics); PubMed 27528516 (cited by Athena Diagnostics); PubMed 33624863 (cited by Athena Diagnostics); PubMed 19696032 (cited by Athena Diagnostics).